The following is an entry in ClinVar:

ClinVar aggregate classification (germline): Uncertain significance. Review status: criteria provided, multiple submitters, no conflicts (2 of 4 stars). 3 submissions from 3 submitters: Uncertain significance (3). Last evaluated 2024-12-19.

Conditions:
Facial dysmorphism-immunodeficiency-livedo-short stature syndrome. Also called: Facial dysmorphism, immunodeficiency, livedo, and short stature; FILS syndrome. Identifiers: Orphanet 352712, MedGen C3554576, MONDO:0014058, OMIM 615139.
Colorectal cancer, susceptibility to, 12 (CRCS12). Also called: COLORECTAL CANCER, SUSCEPTIBILITY TO, ON CHROMOSOME 12q24. Identifiers: Orphanet 220460, MedGen C3554460, MONDO:0014038, OMIM 615083.
Intrauterine growth retardation, metaphyseal dysplasia, adrenal hypoplasia congenita, genital anomalies, and immunodeficiency. Also called: IMAGEI SYNDROME. Identifiers: MedGen C5193036, MONDO:0032684, OMIM 618336.
Hereditary cancer-predisposing syndrome. Also called: Neoplastic Syndromes, Hereditary; Hereditary Cancer Syndrome; Hereditary neoplastic syndrome; Tumor predisposition. Identifiers: Orphanet 140162, MedGen C0027672, MeSH D009386, MONDO:0015356.

Allele frequency attached by ClinVar (database versions not stated): ExAC 0.00001; gnomAD 0.00001; gnomAD exomes 0.00001; TOPMed 0.00001.
gnomAD v4.1: 10 of 1,613,870 alleles (0.00062%); highest among the groups gnomAD compares: East Asian, 0.0022%; no homozygotes.

Submissions (3):

Ambry Genetics
Classification: Uncertain significance for Hereditary cancer-predisposing syndrome. Last evaluated: 2024-12-19. Review status: criteria provided, single submitter. Criteria: Ambry Variant Classification Scheme 2023. Collection method: clinical testing. Allele origin: germline.
Comment: The p.R759C variant (also known as c.2275C>T), located in coding exon 20 of the POLE gene, results from a C to T substitution at nucleotide position 2275. The arginine at codon 759 is replaced by cysteine, an amino acid with highly dissimilar properties. This amino acid position is highly conserved in available vertebrate species. In addition, this alteration is predicted to be deleterious by in silico analysis. Based on the available evidence, the clinical significance of this variant remains unclear.

Labcorp Genetics (formerly Invitae), Labcorp
Classification: Uncertain significance. Last evaluated: 2024-08-27. Review status: criteria provided, single submitter. Criteria: Invitae Variant Classification Sherloc (09022015). Collection method: clinical testing. Allele origin: germline.
Comment: This sequence change replaces arginine, which is basic and polar, with cysteine, which is neutral and slightly polar, at codon 759 of the POLE protein (p.Arg759Cys). This variant is present in population databases (rs759398253, gnomAD 0.005%). This variant has not been reported in the literature in individuals affected with POLE-related conditions. ClinVar contains an entry for this variant (Variation ID: 540616). Invitae Evidence Modeling of protein sequence and biophysical properties (such as structural, functional, and spatial information, amino acid conservation, physicochemical variation, residue mobility, and thermodynamic stability) indicates that this missense variant is expected to disrupt POLE protein function with a positive predictive value of 80%. In summary, the available evidence is currently insufficient to determine the role of this variant in disease. Therefore, it has been classified as a Variant of Uncertain Significance.

Fulgent Genetics
Classification: Uncertain significance for Colorectal cancer, susceptibility to, 12; Facial dysmorphism-immunodeficiency-livedo-short stature syndrome; Intrauterine growth retardation, metaphyseal dysplasia, adrenal hypoplasia congenita, genital anomalies, and immunodeficiency. Last evaluated: 2024-05-22. Review status: criteria provided, single submitter. Criteria: ACMG Guidelines, 2015. Collection method: clinical testing. Allele origin: germline.

NM_006231.4(POLE):c.2275C>T (p.Arg759Cys)

Gene: POLE (DNA polymerase epsilon, catalytic subunit; minus strand). Cytogenetic location: 12q24.33.
Variant type: single nucleotide variant.
Coding change: c.2275C>T on transcript NM_006231.4 (MANE Select); coding-DNA position 2275, C replaced by T.
Protein change: p.Arg759Cys; replaces arginine 759 with cysteine.
Molecular consequence: missense variant.
Genome position (GRCh38, 1-based): chr12:132,667,547, G>A on the plus strand (C>T on the coding strand, the complement: POLE is on the minus strand). VCF-style: chr12-132667547-G-A. GRCh37 (hg19) VCF-style: chr12-133244133-G-A.
Other names: c.2275C>T (NM_006231.2); short protein forms R759C.
Identifiers: ClinVar variation 540616 (VCV000540616.10), dbSNP rs759398253, ClinGen allele CA6893616.